The following is an entry in ClinVar:

NM_001374353.1(GLI2):c.4675G>C (p.Ala1559Pro)

Gene: GLI2 (GLI family zinc finger 2; plus strand). Cytogenetic location: 2q14.2.
Variant type: single nucleotide variant.
Coding change: c.4675G>C on transcript NM_001374353.1 (MANE Select); coding-DNA position 4675, G replaced by C.
Protein change: p.Ala1559Pro; replaces alanine 1559 with proline.
Molecular consequence: missense variant.
Genome position (GRCh38, 1-based): chr2:120,990,640, G>C. VCF-style: chr2-120990640-G-C. GRCh37 (hg19) VCF-style: chr2-121748216-G-C.
Other names: c.4726G>C, p.Ala1576Pro (NM_001371271.1, NM_005270.5); c.4300G>C, p.Ala1434Pro (NM_001374354.1); short protein forms A1434P, A1559P, A1576P.
Identifiers: ClinVar variation 2635888 (VCV002635888.1), dbSNP rs367918973, ClinGen allele CA1852687.

ClinVar aggregate classification (germline): Uncertain significance (1 of 4 stars; one submission).

Conditions:
GLI2-related disorder. Also called: GLI2-related disorders; GLI2-related condition.

Allele frequency attached by ClinVar (database versions not stated): ExAC 0.00002.
gnomAD v4.1: 13 of 1,612,886 alleles (0.00081%); highest among the groups gnomAD compares: Non-Finnish European, 0.0011%; no homozygotes.

Submission:

PreventionGenetics, part of Exact Sciences
Classification: Uncertain significance for GLI2-related condition. Last evaluated: 2023-04-12. Review status: criteria provided, single submitter. Criteria: ACMG Guidelines, 2015. Collection method: clinical testing. Allele origin: germline.
Comment: The GLI2 c.4726G>C variant is predicted to result in the amino acid substitution p.Ala1576Pro. To our knowledge, this variant has not been reported in the literature. This variant is reported in 0.0018% of alleles in individuals of European (Non-Finnish) descent in gnomAD. At this time, the clinical significance of this variant is uncertain due to the absence of conclusive functional and genetic evidence.